The following is an entry in ClinVar:

NM_017617.5(NOTCH1):c.5168G>A (p.Ser1723Asn)

Gene: NOTCH1 (notch receptor 1; minus strand). Cytogenetic location: 9q34.3.
Variant type: single nucleotide variant.
Coding change: c.5168G>A on transcript NM_017617.5 (MANE Select); coding-DNA position 5168, G replaced by A.
Protein change: p.Ser1723Asn; replaces serine 1723 with asparagine.
Molecular consequence: missense variant.
Genome position (GRCh38, 1-based): chr9:136,502,488, C>T on the plus strand (G>A on the coding strand, the complement: NOTCH1 is on the minus strand). VCF-style: chr9-136502488-C-T. GRCh37 (hg19) VCF-style: chr9-139396940-C-T.
Other names: short protein forms S1723N.
Identifiers: ClinVar variation 2153952 (VCV002153952.4), dbSNP rs1264629893, ClinGen allele CA375641404.

ClinVar aggregate classification (germline): Uncertain significance (1 of 4 stars; one submission).

Conditions:
Adams-Oliver syndrome 5 (AOS5). Identifiers: Orphanet 974, MedGen C4014970, MONDO:0014459, OMIM 616028.

Allele frequency attached by ClinVar (database versions not stated): TOPMed below 0.00001.
gnomAD v4.1: 4 of 1,539,022 alleles (0.00026%); highest among the groups gnomAD compares: South Asian, 0.0035%; no homozygotes.

Submission:

Labcorp Genetics (formerly Invitae), Labcorp
Classification: Uncertain significance for Adams-Oliver syndrome 5. Last evaluated: 2022-07-26. Review status: criteria provided, single submitter. Criteria: Invitae Variant Classification Sherloc (09022015). Collection method: clinical testing. Allele origin: germline.
Comment: In summary, the available evidence is currently insufficient to determine the role of this variant in disease. Therefore, it has been classified as a Variant of Uncertain Significance. Algorithms developed to predict the effect of missense changes on protein structure and function (SIFT, PolyPhen-2, Align-GVGD) all suggest that this variant is likely to be disruptive. This variant has not been reported in the literature in individuals affected with NOTCH1-related conditions. The frequency data for this variant in the population databases is considered unreliable, as metrics indicate poor data quality at this position in the gnomAD database. This sequence change replaces serine, which is neutral and polar, with asparagine, which is neutral and polar, at codon 1723 of the NOTCH1 protein (p.Ser1723Asn).